The following is an entry in ClinVar:

ClinVar aggregate classification (germline): Uncertain significance (1 of 4 stars; one submission).

Allele frequency attached by ClinVar (database versions not stated): gnomAD 0.00001 and 0.00002; gnomAD exomes 0.00001 and 0.00002; TOPMed 0.00001; ExAC 0.00002; ESP Exome Variant Server 0.00008.
gnomAD v4.1: 10 of 1,613,788 alleles (0.00062%); highest among the groups gnomAD compares: East Asian, 0.0089%; no homozygotes.

Submission:

Labcorp Genetics (formerly Invitae), Labcorp
Classification: Uncertain significance. Last evaluated: 2021-09-01. Review status: criteria provided, single submitter. Criteria: Invitae Variant Classification Sherloc (09022015). Collection method: clinical testing. Allele origin: germline.
Comment: This sequence change replaces tyrosine with cysteine at codon 30 of the EXOSC9 protein (p.Tyr30Cys). The tyrosine residue is highly conserved and there is a large physicochemical difference between tyrosine and cysteine. This variant is present in population databases (rs149738039, ExAC 0.01%). This variant has not been reported in the literature in individuals affected with EXOSC9-related conditions. Algorithms developed to predict the effect of missense changes on protein structure and function are either unavailable or do not agree on the potential impact of this missense change (SIFT: "Deleterious"; PolyPhen-2: "Possibly Damaging"; Align-GVGD: "Class C0"). In summary, the available evidence is currently insufficient to determine the role of this variant in disease. Therefore, it has been classified as a Variant of Uncertain Significance.

NM_005033.3(EXOSC9):c.89A>G (p.Tyr30Cys)

Gene: EXOSC9 (exosome component 9; plus strand). Cytogenetic location: 4q27.
Variant type: single nucleotide variant.
Coding change: c.89A>G on transcript NM_005033.3 (MANE Select); coding-DNA position 89, A replaced by G.
Protein change: p.Tyr30Cys; replaces tyrosine 30 with cysteine.
Molecular consequence: missense variant.
Genome position (GRCh38, 1-based): chr4:121,801,849, A>G. VCF-style: chr4-121801849-A-G. GRCh37 (hg19) VCF-style: chr4-122723004-A-G.
Other names: c.89A>G, p.Tyr30Cys (NM_001034194.2); short protein forms Y30C.
Identifiers: ClinVar variation 1348837 (VCV001348837.5), dbSNP rs149738039, ClinGen allele CA3063281.